The following is an entry in ClinVar:

NM_001458.5(FLNC):c.3881A>G (p.Asn1294Ser)

Gene: FLNC (filamin C; plus strand). Cytogenetic location: 7q32.1.
Variant type: single nucleotide variant.
Coding change: c.3881A>G on transcript NM_001458.5 (MANE Select); coding-DNA position 3881, A replaced by G.
Protein change: p.Asn1294Ser; replaces asparagine 1294 with serine.
Molecular consequence: missense variant.
Genome position (GRCh38, 1-based): chr7:128,846,080, A>G. VCF-style: chr7-128846080-A-G. GRCh37 (hg19) VCF-style: chr7-128486134-A-G.
Other names: c.3881A>G, p.Asn1294Ser (NM_001127487.2); short protein forms N1294S.
Identifiers: ClinVar variation 573110 (VCV000573110.11), dbSNP rs944103680, ClinGen allele CA166179999.
Genomic context (GRCh38, chr7:128,846,080, plus strand): 5'-CTGTGGATGCAAGATCCCTAACAGCCACAGGCGGCAACCACGTGACGGCTCGTGTGCTCA[A>G]CCCCTCGGGGGCCAAGACAGACACCTATGTGACAGACAATGGGGACGGCACCTACCGAGT-3'
Protein context (NP_001449.3, residues 1284-1304): GGNHVTARVL[Asn1294Ser]PSGAKTDTYV

ClinVar aggregate classification (germline): Uncertain significance. Review status: criteria provided, multiple submitters, no conflicts (2 of 4 stars). 3 submissions from 3 submitters: Uncertain significance (3). Last evaluated 2025-06-24.

Conditions:
Myofibrillar myopathy 5. Also called: FILAMINOPATHY, AUTOSOMAL DOMINANT; Filaminopathy (type). Identifiers: Orphanet 171445, MedGen C1836050, MONDO:0012289, OMIM 609524.
Hypertrophic cardiomyopathy 26. Also called: Cardiomyopathy, familial hypertrophic, 26. Identifiers: Orphanet 75249, MedGen C4310749, MONDO:0014883, OMIM 617047.
Distal myopathy with posterior leg and anterior hand involvement. Also called: WILLIAMS DISTAL MYOPATHY. Identifiers: Orphanet 63273, MedGen C3279722, MONDO:0013550, OMIM 614065.
Cardiovascular phenotype. Identifiers: MedGen CN230736.

Allele frequency attached by ClinVar (database versions not stated): gnomAD exomes below 0.00001; TOPMed 0.00001.

Submissions (3):

Ambry Genetics
Classification: Uncertain significance for Cardiovascular phenotype. Last evaluated: 2025-06-24. Review status: criteria provided, single submitter. Criteria: Ambry Variant Classification Scheme 2023. Collection method: clinical testing. Allele origin: germline.

Labcorp Genetics (formerly Invitae), Labcorp
Classification: Uncertain significance for Distal myopathy with posterior leg and anterior hand involvement; Myofibrillar myopathy 5; Hypertrophic cardiomyopathy 26. Last evaluated: 2025-05-18. Review status: criteria provided, single submitter. Criteria: Invitae Variant Classification Sherloc (09022015). Collection method: clinical testing. Allele origin: germline.
Comment: This sequence change replaces asparagine, which is neutral and polar, with serine, which is neutral and polar, at codon 1294 of the FLNC protein (p.Asn1294Ser). This variant is present in population databases (no rsID available, gnomAD 0.0009%). This variant has not been reported in the literature in individuals affected with FLNC-related conditions. ClinVar contains an entry for this variant (Variation ID: 573110). Invitae Evidence Modeling of protein sequence and biophysical properties (such as structural, functional, and spatial information, amino acid conservation, physicochemical variation, residue mobility, and thermodynamic stability) has been performed for this missense variant. However, the output from this modeling did not meet the statistical confidence thresholds required to predict the impact of this variant on FLNC protein function. In summary, the available evidence is currently insufficient to determine the role of this variant in disease. Therefore, it has been classified as a Variant of Uncertain Significance.

GeneDx
Classification: Uncertain significance. Last evaluated: 2025-05-09. Review status: criteria provided, single submitter. Criteria: GeneDx Variant Classification Process June 2021. Collection method: clinical testing. Allele origin: germline. Affected: yes.
Comment: Not observed at significant frequency in large population cohorts (gnomAD); In silico analysis supports that this missense variant has a deleterious effect on protein structure/function; Has not been previously published as pathogenic or benign to our knowledge